The following is an entry in ClinVar:

NM_138694.4(PKHD1):c.9646C>T (p.Gln3216Ter)

Gene: PKHD1 (PKHD1 ciliary IPT domain containing fibrocystin/polyductin; minus strand). Cytogenetic location: 6p12.3.
Variant type: single nucleotide variant.
Coding change: c.9646C>T on transcript NM_138694.4 (MANE Select); coding-DNA position 9646, C replaced by T.
Protein change: p.Gln3216Ter; replaces glutamine 3216 with a stop codon.
Molecular consequence: nonsense.
Genome position (GRCh38, 1-based): chr6:51,747,970, G>A on the plus strand (C>T on the coding strand, the complement: PKHD1 is on the minus strand). VCF-style: chr6-51747970-G-A. GRCh37 (hg19) VCF-style: chr6-51612768-G-A.
Other names: c.9646C>T, p.Gln3216Ter (NM_170724.3); short protein forms Q3216*.
Identifiers: ClinVar variation 528297 (VCV000528297.8), dbSNP rs758732107, ClinGen allele CA3851359.

ClinVar aggregate classification (germline): Pathogenic. Review status: criteria provided, multiple submitters, no conflicts (2 of 4 stars). 2 submissions from 2 submitters: Pathogenic (2). Last evaluated 2023-09-27.

Conditions:
Polycystic kidney disease 4 (PKD4). Also called: Autosomal Recessive Polycystic Kidney Disease – PKHD1; PKD3; POLYCYSTIC KIDNEY AND HEPATIC DISEASE 1; POLYCYSTIC KIDNEY DISEASE, INFANTILE, TYPE I; POLYCYSTIC KIDNEY DISEASE 4 WITH OR WITHOUT POLYCYSTIC LIVER DISEASE. Identifiers: MedGen C4540575, MONDO:0033004, OMIM 263200.
Autosomal recessive polycystic kidney disease (ARPKD). Also called: AR polycystic kidney disease. Identifiers: Orphanet 731, Orphanet 8378, MedGen C0085548, MeSH D017044, MONDO:0009889.

Allele frequency attached by ClinVar (database versions not stated): ExAC 0.00001; gnomAD exomes 0.00001; TOPMed 0.00001.
gnomAD v4.1: 3 of 1,614,032 alleles (0.00019%); highest among the groups gnomAD compares: African/African-American, 0.004%; no homozygotes.

Submissions (2):

Labcorp Genetics (formerly Invitae), Labcorp
Classification: Pathogenic for Autosomal recessive polycystic kidney disease. Last evaluated: 2023-09-27. Review status: criteria provided, single submitter. Criteria: Invitae Variant Classification Sherloc (09022015). Collection method: clinical testing. Allele origin: germline.
Comment: This sequence change creates a premature translational stop signal (p.Gln3216*) in the PKHD1 gene. It is expected to result in an absent or disrupted protein product. Loss-of-function variants in PKHD1 are known to be pathogenic (PMID: 19940839). This variant is present in population databases (rs758732107, gnomAD 0.01%). This variant has not been reported in the literature in individuals affected with PKHD1-related conditions. ClinVar contains an entry for this variant (Variation ID: 528297). Algorithms developed to predict the effect of sequence changes on RNA splicing suggest that this variant may create or strengthen a splice site. For these reasons, this variant has been classified as Pathogenic.

Baylor Genetics
Classification: Pathogenic for Polycystic kidney disease 4. Last evaluated: 2022-11-07. Review status: criteria provided, single submitter. Criteria: ACMG Guidelines, 2015. Collection method: clinical testing. Allele origin: unknown.

Literature cited by the submitters: PubMed 19940839 (cited by Labcorp Genetics (formerly Invitae), Labcorp).